The following is an entry in ClinVar:

ClinVar aggregate classification (germline): Benign/Likely benign. Review status: criteria provided, multiple submitters, no conflicts (2 of 4 stars). 6 submissions from 6 submitters: Benign (2); Likely benign (4). Last evaluated 2026-02-03.

Conditions:
Hereditary cancer-predisposing syndrome. Also called: Neoplastic Syndromes, Hereditary; Hereditary neoplastic syndrome; Tumor predisposition; Hereditary Cancer Syndrome. Identifiers: Orphanet 140162, MedGen C0027672, MeSH D009386, MONDO:0015356.
Hereditary diffuse gastric adenocarcinoma (HDGC). Also called: DIFFUSE GASTRIC AND LOBULAR BREAST CANCER SYNDROME. Identifiers: Orphanet 26106, MedGen C1708349, MONDO:0007648, OMIM 137215.

Allele frequency attached by ClinVar (database versions not stated): gnomAD exomes below 0.00001 and 0.00001; ExAC 0.00002; TOPMed 0.00003; ESP Exome Variant Server 0.00015.
gnomAD v4.1: 6 of 1,613,860 alleles (0.00037%); highest among the groups gnomAD compares: African/African-American, 0.008%; no homozygotes.

Submissions (6):

Labcorp Genetics (formerly Invitae), Labcorp
Classification: Likely benign for Hereditary diffuse gastric adenocarcinoma. Last evaluated: 2026-02-03. Review status: criteria provided, single submitter. Criteria: Invitae Variant Classification Sherloc (09022015). Collection method: clinical testing. Allele origin: germline.

Myriad Genetics, Inc.
Classification: Benign for Hereditary diffuse gastric adenocarcinoma. Last evaluated: 2024-09-20. Review status: criteria provided, single submitter. Criteria: Myriad Autosomal Dominant, Autosomal Recessive and X-Linked Classification Criteria (2023). Collection method: clinical testing. Allele origin: unknown.
Comment: This variant is considered benign. This variant is a silent/synonymous amino acid change and it is not expected to impact splicing.

Quest Diagnostics Nichols Institute San Juan Capistrano
Classification: Benign. Last evaluated: 2021-01-19. Review status: criteria provided, single submitter. Criteria: Quest Diagnostics criteria. Collection method: clinical testing. Allele origin: unknown.

GeneDx
Classification: Likely benign. Last evaluated: 2019-09-17. Review status: criteria provided, single submitter. Criteria: GeneDx Variant Classification Process June 2021. Collection method: clinical testing. Allele origin: germline. Affected: yes.

Color Diagnostics, LLC DBA Color Health
Classification: Likely benign for Hereditary cancer-predisposing syndrome. Last evaluated: 2019-03-15. Review status: criteria provided, single submitter. Criteria: ACMG Guidelines, 2015. Collection method: clinical testing. Allele origin: germline.

Ambry Genetics
Classification: Likely benign for Hereditary cancer-predisposing syndrome. Last evaluated: 2017-08-25. Review status: criteria provided, single submitter. Criteria: Ambry Variant Classification Scheme 2023. Collection method: clinical testing. Allele origin: germline.

NM_004360.5(CDH1):c.2167C>T (p.Leu723=)

Gene: CDH1 (cadherin 1; plus strand). Cytogenetic location: 16q22.1.
Variant type: single nucleotide variant.
Coding change: c.2167C>T on transcript NM_004360.5 (MANE Select); coding-DNA position 2167, C replaced by T.
Protein change: p.Leu723=; no amino-acid change (leucine 723 retained).
Molecular consequence: synonymous variant.
Genome position (GRCh38, 1-based): chr16:68,828,176, C>T. VCF-style: chr16-68828176-C-T. GRCh37 (hg19) VCF-style: chr16-68862079-C-T.
Other names: c.1984C>T, p.Leu662= (NM_001317184.2); c.619C>T, p.Leu207= (NM_001317185.2); c.202C>T, p.Leu68= (NM_001317186.2); c.2167C>T (LRG_301t1).
Identifiers: ClinVar variation 384102 (VCV000384102.23), dbSNP rs142649208, ClinGen allele CA8130223.